The following is an entry in ClinVar:

NM_001015877.2(PHF6):c.667G>T (p.Glu223Ter)

Gene: PHF6 (PHD finger protein 6; plus strand). Cytogenetic location: Xq26.2.
Variant type: single nucleotide variant.
Coding change: c.667G>T on transcript NM_001015877.2 (MANE Select); coding-DNA position 667, G replaced by T.
Protein change: p.Glu223Ter; replaces glutamic acid 223 with a stop codon.
Molecular consequence: nonsense.
Genome position (GRCh38, 1-based): chrX:134,413,904, G>T. VCF-style: chrX-134413904-G-T. GRCh37 (hg19) VCF-style: chrX-133547934-G-T.
Other names: c.670G>T, p.Glu224Ter (NM_032335.3); c.667G>T, p.Glu223Ter (NM_032458.3); short protein forms E223*, E224*.
Identifiers: ClinVar variation 4838626 (VCV004838626.1).
Genomic context (GRCh38, chrX:134,413,904, plus strand): 5'-AGCAGCCCTAGTGACACCAGGCCTAAATGTGGATTTTGCCATGTAGGGGAGGAAGAAAAT[G>T]AAGCACGAGGAAAACTGCATATATTTAATGCCAAGAAGGCAGCTGCCCATTATAAGTGCA-3'

ClinVar aggregate classification (germline): Pathogenic (1 of 4 stars; one submission).

Conditions:
Inborn genetic diseases. Identifiers: MedGen C0950123, MeSH D030342.

Submission:

Ambry Genetics
Classification: Pathogenic for Inborn genetic diseases. Last evaluated: 2026-01-14. Review status: criteria provided, single submitter. Criteria: Ambry Variant Classification Scheme 2023. Collection method: clinical testing. Allele origin: germline.
Comment: The c.667G>T (p.E223*) alteration, located in exon 7 (coding exon 6) of the PHF6 gene, consists of a G to T substitution at nucleotide position 667. This changes the amino acid from a glutamic acid (E) to a stop codon at amino acid position 223. This alteration is expected to result in loss of function by premature protein truncation or nonsense-mediated mRNA decay. This variant was not reported in population-based cohorts in the Genome Aggregation Database (gnomAD). Based on the available evidence, this alteration is classified as pathogenic.